The following is an entry in ClinVar:

ClinVar aggregate classification (germline): Pathogenic/Likely pathogenic. Review status: criteria provided, multiple submitters, no conflicts (2 of 4 stars). 7 submissions from 6 submitters: Pathogenic (6); Likely pathogenic (1). Last evaluated 2025-09-10.

Conditions:
Glycine encephalopathy. Also called: Nonketotic hyperglycinemia; Non-ketotic hyperglycinemia. Identifiers: Orphanet 407, MedGen C0751748, MONDO:0011612, HP:0008288.
Glycine encephalopathy 2 (GCE2). Identifiers: MedGen C5830559, MONDO:0958192, OMIM 620398.

Submissions (7):

Myriad Genetics, Inc.
Classification: Pathogenic for Glycine encephalopathy 2. Last evaluated: 2025-09-10. Review status: criteria provided, single submitter. Criteria: Myriad Autosomal Dominant, Autosomal Recessive and X-Linked Classification Criteria (2023). Collection method: clinical testing. Allele origin: unknown.
Comment: NM_000481.3(AMT):c.602_603delAA(K201Tfs*75) is a frameshift variant classified as pathogenic in the context of glycine encephalopathy, AMT-related. K201Tfs*75 has been observed in a case with relevant disease (PMID: 33726816). Relevant functional assessments of this variant are not available in the literature. K201Tfs*75 has been observed in referenced population frequency databases. In summary, NM_000481.3(AMT):c.602_603delAA(K201Tfs*75) is a frameshift variant in a gene where loss of function is a known mechanism of disease, is predicted to disrupt protein function, and has been observed more frequently in cases with the relevant disease than in healthy populations. Please note: this variant was assessed in the context of healthy population screening.

Natera, Inc.
Classification: Likely pathogenic for Non-ketotic hyperglycinemia. Last evaluated: 2025-05-29. Review status: criteria provided, single submitter. Criteria: Natera Variant Classification Schema (03/2026). Collection method: clinical testing. Allele origin: germline.
Comment: The c.602_603del variant in AMT is a frameshift variant predicted to shift the reading frame beginning at codon 201 and leads to a stop codon 75 codons downstream. This variant is expected to result in nonsense mediated decay, truncation, or a dysfunctional protein product. This variant is rare in the general population with a frequency below the threshold expected for the associated phenotype(s). Given the available evidence, this variant is classified as Likely Pathogenic.

Women's Health and Genetics/Laboratory Corporation of America, LabCorp
Classification: Pathogenic for Glycine encephalopathy. Last evaluated: 2024-11-13. Review status: criteria provided, single submitter. Criteria: LabCorp Variant Classification Summary - May 2015. Collection method: clinical testing. Allele origin: germline.
Comment: Variant summary: AMT c.602_603delAA (p.Lys201ThrfsX75) results in a premature termination codon, predicted to cause a truncation of the encoded protein or absence of the protein due to nonsense mediated decay, which are commonly known mechanisms for disease. The variant allele was found at a frequency of 4e-06 in 250724 control chromosomes. c.602_603delAA has been reported in the literature in a homozygous individual affected with Non-Ketotic Hyperglycinemia (Stanneheim_2021). To our knowledge, no experimental evidence demonstrating an impact on protein function has been reported. The following publication have been ascertained in the context of this evaluation (PMID: 33726816). ClinVar contains an entry for this variant (Variation ID: 1013618). Based on the evidence outlined above, the variant was classified as pathogenic.

Center for Genomics, Ann and Robert H. Lurie Children's Hospital of Chicago
Classification: Pathogenic for Glycine encephalopathy 2. Last evaluated: 2024-02-21. Review status: criteria provided, single submitter. Criteria: ACMG Guidelines, 2015. Collection method: clinical testing. Allele origin: germline. Observed: 1 homozygote.
Comment: This variant has been reported in the literature in the homozygous state in at least one individual with features consistent with nonketotic hyperglycinemia (Stranneheim 2021 PMID: 33726816). It is present in gnomAD (Highest reported MAF: 0.007% [6/86258]); please note, disease-causing variants may be present in control databases at low frequencies, reflective of carrier status, incomplete penetrance, and/or variable expressivity. It is also present in ClinVar (Variation ID: 1013618). This variant is a deletion of two nucleotides which is expected to alter the reading frame and introduce a premature stop codon 75 amino acid positions downstream from this location, resulting in protein truncation or loss of allelic expression through nonsense-mediated mRNA decay; loss of function is a known mechanism of disease for this gene (Coughlin 2017 PMID: 27362913). In summary, this variant is classified as pathogenic.

Center for Genomics, Ann and Robert H. Lurie Children's Hospital of Chicago
Classification: Pathogenic for Glycine encephalopathy 1. Last evaluated: 2022-06-10. Review status: criteria provided, single submitter. Criteria: ACMG Guidelines, 2015. Collection method: clinical testing. Allele origin: germline.
Comment: This variant has been reported in the literature in 1 individual in the homozygous state (Stranneheim 2021 PMID: 33726816). This variant is present in the Genome Aggregation Database (Highest reported MAF: 0.003% [1/30616]); please note, disease-causing variants may be present in control databases at low frequencies, reflective of the general population, carrier status, and/or variable expressivity. This variant is also present in ClinVar (Variation ID: 1013618). Evolutionary conservation and computational predictive tools are unavailable for this variant. This variant creates a premature stop codon 75 amino acids downstream from this location which results in an absent or abnormal protein. Loss of function variants are a known mechanism of disease for this gene (Coughlin 2017 PMID: 27362913). In summary, this variant is classified as pathogenic.

Labcorp Genetics (formerly Invitae), Labcorp
Classification: Pathogenic for Glycine encephalopathy. Last evaluated: 2022-03-14. Review status: criteria provided, single submitter. Criteria: Invitae Variant Classification Sherloc (09022015). Collection method: clinical testing. Allele origin: germline.
Comment: This variant has not been reported in the literature in individuals affected with AMT-related conditions. This sequence change creates a premature translational stop signal (p.Lys201Thrfs*75) in the AMT gene. It is expected to result in an absent or disrupted protein product. Loss-of-function variants in AMT are known to be pathogenic (PMID: 16450403). This variant is present in population databases (no rsID available, gnomAD 0.003%). ClinVar contains an entry for this variant (Variation ID: 1013618). For these reasons, this variant has been classified as Pathogenic.

Centre for Inherited Metabolic Diseases, Karolinska University Hospital
Classification: Pathogenic for Glycine encephalopathy 1. Last evaluated: 2021-03-12. Review status: criteria provided, single submitter. Criteria: ACMG Guidelines, 2015. Collection method: clinical testing. Allele origin: germline. Inheritance: Autosomal recessive inheritance. Affected: yes. Observed: 1 variant allele, 1 homozygote.

Literature cited by the submitters: PubMed 33726816 (cited by 3 submitters); PubMed 27362913 (cited by Center for Genomics, Ann and Robert H. Lurie Children's Hospital of Chicago); PubMed 16450403 (cited by Labcorp Genetics (formerly Invitae), Labcorp).

NM_000481.4(AMT):c.602_603del (p.Lys201fs)

Gene: AMT (aminomethyltransferase; minus strand). Cytogenetic location: 3p21.31.
Variant type: Deletion.
Coding change: c.602_603del on transcript NM_000481.4 (MANE Select); coding-DNA positions 602 to 603, 2 bases deleted (AA; older notation c.602_603delAA).
Protein change: p.Lys201fs; shifts the reading frame from lysine 201.
Molecular consequence: frameshift variant. On other transcripts: non-coding transcript variant (1).
Genome position (GRCh38, 1-based): chr3:49,419,353-49,419,354, TT deleted on the plus strand (AA on the coding strand, the reverse complement: AMT is on the minus strand); deleting any 2 consecutive bases within chr3:49,419,353-49,419,355 gives the same sequence; the c. name uses the placement nearest the transcript's 3' end. VCF-style (leftmost placement, unchanged base first): chr3-49419352-GTT-G. GRCh37 (hg19) VCF-style: chr3-49456785-GTT-G.
Other names: c.602_603delAA (NM_000481.4); c.470_471del, p.Lys157fs (NM_001164710.2); c.434_435del, p.Lys145fs (NM_001164711.2); c.602_603del, p.Lys201fs (NM_001164712.2); short protein forms K145fs, K157fs, K201fs.
Identifiers: ClinVar variation 1013618 (VCV001013618.12), dbSNP rs1279743247, ClinGen allele CA543049487.
Genomic context (GRCh38, chr3:49,419,352, plus strand): 5'-GGGTCACGCGGCAGCCAGACACGCCAAACACCTCCATCACAGCACTGGTCATGAAGGGCA[GTT>G]TCCTCAGGTCATCTGCCACGCCGGCCTGTAGTACCTGGGCTGCAGTGGGGCCTGGGCCCA-3'